The following is an entry in ClinVar:

NM_000038.6(APC):c.471G>C (p.Trp157Cys)

Gene: APC (APC regulator of Wnt signaling pathway; plus strand). Cytogenetic location: 5q22.2.
Variant type: single nucleotide variant.
Coding change: c.471G>C on transcript NM_000038.6 (MANE Select); coding-DNA position 471, G replaced by C.
Protein change: p.Trp157Cys; replaces tryptophan 157 with cysteine.
Molecular consequence: missense variant. On other transcripts: 5 prime UTR variant (1).
Genome position (GRCh38, 1-based): chr5:112,775,677, G>C. VCF-style: chr5-112775677-G-C. GRCh37 (hg19) VCF-style: chr5-112111374-G-C.
Other names: c.471G>C, p.Trp157Cys (NM_001127510.3, NM_001354895.2, NM_001354896.2 and 2 more transcripts); c.501G>C, p.Trp167Cys (NM_001127511.3, NM_001354897.2, NM_001354902.2); c.396G>C, p.Trp132Cys (NM_001354898.2, NM_001354904.2); c.294G>C, p.Trp98Cys (NM_001354900.2, NM_001354901.2, NM_001354905.2); c.-565G>C (NM_001354906.2); short protein forms W132C, W157C, W167C, W98C.
Identifiers: ClinVar variation 1010973 (VCV001010973.15), dbSNP rs1060503328, ClinGen allele CA16022352.

ClinVar aggregate classification (germline): Uncertain significance. Review status: criteria provided, multiple submitters, no conflicts (2 of 4 stars). 4 submissions from 4 submitters: Uncertain significance (4). Last evaluated 2026-01-27.

Conditions:
Hereditary cancer-predisposing syndrome. Also called: Tumor predisposition; Hereditary neoplastic syndrome; Neoplastic Syndromes, Hereditary; Hereditary Cancer Syndrome. Identifiers: Orphanet 140162, MedGen C0027672, MeSH D009386, MONDO:0015356.
Familial adenomatous polyposis 1 (FAP1). Also called: FAMILIAL ADENOMATOUS POLYPOSIS 1, ATTENUATED; POLYPOSIS, ADENOMATOUS INTESTINAL. Identifiers: MedGen C2713442, MONDO:0021056, OMIM 175100. Disease mechanism: loss of function.

Submissions (4):

Labcorp Genetics (formerly Invitae), Labcorp
Classification: Uncertain significance for Familial adenomatous polyposis 1. Last evaluated: 2026-01-27. Review status: criteria provided, single submitter. Criteria: Invitae Variant Classification Sherloc (09022015). Collection method: clinical testing. Allele origin: germline.
Comment: This sequence change replaces tryptophan, which is neutral and slightly polar, with cysteine, which is neutral and slightly polar, at codon 157 of the APC protein (p.Trp157Cys). This variant is not present in population databases (gnomAD no frequency). This variant has not been reported in the literature in individuals affected with APC-related conditions. ClinVar contains an entry for this variant (Variation ID: 1010973). Invitae Evidence Modeling of protein sequence and biophysical properties (such as structural, functional, and spatial information, amino acid conservation, physicochemical variation, residue mobility, and thermodynamic stability) has been performed for this missense variant. However, the output from this modeling did not meet the statistical confidence thresholds required to predict the impact of this variant on APC protein function. In summary, the available evidence is currently insufficient to determine the role of this variant in disease. Therefore, it has been classified as a Variant of Uncertain Significance.

GeneDx
Classification: Uncertain significance. Last evaluated: 2025-06-12. Review status: criteria provided, single submitter. Criteria: GeneDx Variant Classification Process June 2021. Collection method: clinical testing. Allele origin: germline. Affected: yes.
Comment: Not observed at significant frequency in large population cohorts (gnomAD); In silico analysis supports that this missense variant has a deleterious effect on protein structure/function; Has not been previously published as pathogenic or benign to our knowledge

Ambry Genetics
Classification: Uncertain significance for Hereditary cancer-predisposing syndrome. Last evaluated: 2024-10-04. Review status: criteria provided, single submitter. Criteria: Ambry Variant Classification Scheme 2023. Collection method: clinical testing. Allele origin: germline.
Comment: The p.W157C variant (also known as c.471G>C), located in coding exon 4 of the APC gene, results from a G to C substitution at nucleotide position 471. The tryptophan at codon 157 is replaced by cysteine, an amino acid with highly dissimilar properties. This amino acid position is highly conserved in available vertebrate species. In addition, in silico predictors for this gene do not accurately predict pathogenicity. Missense alterations in APC are not a common cause of disease (Spier I et al. Genet Med. 2024 Feb;26(2):100992). Since supporting evidence is limited at this time, the clinical significance of this alteration remains unclear.

Baylor Genetics
Classification: Uncertain significance for Familial adenomatous polyposis 1. Last evaluated: 2024-03-22. Review status: criteria provided, single submitter. Criteria: ACMG Guidelines, 2015. Collection method: clinical testing. Allele origin: unknown.